The following is an entry in ClinVar:

NM_014009.4(FOXP3):c.1191G>T (p.Arg397=)

Gene: FOXP3 (forkhead box P3; minus strand). Cytogenetic location: Xp11.23.
Variant type: single nucleotide variant.
Coding change: c.1191G>T on transcript NM_014009.4 (MANE Select); coding-DNA position 1191, G replaced by T.
Protein change: p.Arg397=; no amino-acid change (arginine 397 retained).
Molecular consequence: synonymous variant.
Genome position (GRCh38, 1-based): chrX:49,251,439, C>A on the plus strand (G>T on the coding strand, the complement: FOXP3 is on the minus strand). VCF-style: chrX-49251439-C-A. GRCh37 (hg19) VCF-style: chrX-49107900-C-A.
Other names: c.1086G>T, p.Arg362= (NM_001114377.2).
Identifiers: ClinVar variation 2660530 (VCV002660530.27), dbSNP rs141362642, ClinGen allele CA516569818.

ClinVar aggregate classification (germline): Likely benign. Review status: criteria provided, multiple submitters, no conflicts (2 of 4 stars). 2 submissions from 2 submitters: Likely benign (2). Last evaluated 2026-01-28.

Conditions:
Insulin-dependent diabetes mellitus secretory diarrhea syndrome (IPEX). Also called: IPEX and IPEX-Like; Immunodeficiency, Polyendocrinopathy, and Enteropathy X-Linked Syndrome; X-Linked Syndrome of Polyendocrinopathy, Immune Dysfunction, and Diarrhea; DIABETES MELLITUS, CONGENITAL INSULIN-DEPENDENT, WITH FATAL SECRETORY DIARRHEA; DIARRHEA, POLYENDOCRINOPATHY, FATAL INFECTION SYNDROME, X-LINKED; ENTEROPATHY, AUTOIMMUNE, WITH HEMOLYTIC ANEMIA AND POLYENDOCRINOPATHY. Identifiers: Orphanet 37042, MedGen C0342288, MONDO:0010580, OMIM 304790. Disease mechanism: loss of function.

Allele frequency attached by ClinVar (database versions not stated): gnomAD 0.00001; TOPMed 0.00001.
gnomAD v4.1: 10 of 1,210,635 alleles (0.00083%); highest among the groups gnomAD compares: Non-Finnish European, 0.0011%; no homozygotes.

Submissions (2):

Labcorp Genetics (formerly Invitae), Labcorp
Classification: Likely benign for Insulin-dependent diabetes mellitus secretory diarrhea syndrome. Last evaluated: 2026-01-28. Review status: criteria provided, single submitter. Criteria: Invitae Variant Classification Sherloc (09022015). Collection method: clinical testing. Allele origin: germline.

CeGaT Center for Human Genetics Tuebingen
Classification: Likely benign. Last evaluated: 2022-09-01. Review status: criteria provided, single submitter. Criteria: CeGaT Center For Human Genetics Tuebingen Variant Classification Criteria Version 2. Collection method: clinical testing. Allele origin: germline. Affected: yes. Observed: 1 variant allele.
Comment: FOXP3: BP4, BP7